The following is an entry in ClinVar:

NM_024757.5(EHMT1):c.1429A>G (p.Thr477Ala)

Gene: EHMT1 (euchromatic histone lysine methyltransferase 1; plus strand). Cytogenetic location: 9q34.3.
Variant type: single nucleotide variant.
Coding change: c.1429A>G on transcript NM_024757.5 (MANE Select); coding-DNA position 1429, A replaced by G.
Protein change: p.Thr477Ala; replaces threonine 477 with alanine.
Molecular consequence: missense variant.
Genome position (GRCh38, 1-based): chr9:137,757,939, A>G. VCF-style: chr9-137757939-A-G. GRCh37 (hg19) VCF-style: chr9-140652391-A-G.
Other names: c.1429A>G, p.Thr477Ala (NM_001145527.2, NM_001354611.2); c.1336A>G, p.Thr446Ala (NM_001354259.2, NM_001354612.2); c.1408A>G, p.Thr470Ala (NM_001354263.2); short protein forms T446A, T470A, T477A.
Identifiers: ClinVar variation 3389095 (VCV003389095.14).
Genomic context (GRCh38, chr9:137,757,939, plus strand): 5'-GGTTCTGAGTCGTATAAGTCATCTGCAGGAAGCGCTGAGCAGACGGCACCAGGAGACAGC[A>G]CAGGGTACATGGAAGTTTCTCTGGACTCCCTGGATCTCCGAGTCAAAGGAATTCTGTCTT-3'
Protein context (NP_079033.4, residues 467-487): SAEQTAPGDS[Thr477Ala]GYMEVSLDSL

ClinVar aggregate classification (germline): Uncertain significance (1 of 4 stars; one submission).

gnomAD v4.1: 2 of 1,614,122 alleles (0.00012%); highest among the groups gnomAD compares: Middle Eastern, 0.016%; no homozygotes.

Submission:

CeGaT Center for Human Genetics Tuebingen
Classification: Uncertain significance. Last evaluated: 2024-09-01. Review status: criteria provided, single submitter. Criteria: CeGaT Center For Human Genetics Tuebingen Variant Classification Criteria Version 2. Collection method: clinical testing. Allele origin: germline. Affected: yes. Observed: 1 variant allele.
Comment: EHMT1: PM2:Supporting, BP4